The following is an entry in ClinVar:

NM_000257.4(MYH7):c.4097C>T (p.Ser1366Leu)

Gene: MYH7 (myosin heavy chain 7; minus strand). Cytogenetic location: 14q11.2.
Variant type: single nucleotide variant.
Coding change: c.4097C>T on transcript NM_000257.4 (MANE Select); coding-DNA position 4097, C replaced by T.
Protein change: p.Ser1366Leu; replaces serine 1366 with leucine.
Molecular consequence: missense variant.
Genome position (GRCh38, 1-based): chr14:23,418,282, G>A on the plus strand (C>T on the coding strand, the complement: MYH7 is on the minus strand). VCF-style: chr14-23418282-G-A. GRCh37 (hg19) VCF-style: chr14-23887491-G-A.
Other names: c.4097C>T (NM_000257.2); short protein forms S1366L.
Identifiers: ClinVar variation 647534 (VCV000647534.22), dbSNP rs767000995, ClinGen allele CA040392.

ClinVar aggregate classification (germline): Uncertain significance. Review status: criteria provided, multiple submitters, no conflicts (2 of 4 stars). 7 submissions from 7 submitters: Uncertain significance (7). Last evaluated 2026-09-21.

Conditions:
Hypertrophic cardiomyopathy. Also called: HYPERTROPHIC MYOCARDIOPATHY. Identifiers: Orphanet 217569, MedGen C0007194, MeSH D002312, MONDO:0005045, HP:0001639.
Congenital myopathy with fiber type disproportion. Also called: Congenital fiber-type disproportion; Congenital fiber-type disproportion myopathy. Identifiers: Orphanet 2020, MedGen C0546264, MONDO:0009711. Inheritance: all.
MYH7-related skeletal myopathy. Also called: MYOPATHY, DISTAL, EARLY-ONSET, AUTOSOMAL DOMINANT; MYOPATHY, LATE DISTAL HEREDITARY; Myopathy, distal, 1; Laing distal myopathy; Laing early-onset distal myopathy. Identifiers: Orphanet 59135, MedGen C4552004, MONDO:0008050, OMIM 160500.
Hypertrophic cardiomyopathy 1 (CMH1). Also called: Familial hypertrophic cardiomyopathy 1; MYH7-Related Familial Hypertrophic Cardiomyopathy. Identifiers: MedGen C3495498, MONDO:0008647, OMIM 192600.
Myopathy, myosin storage, autosomal recessive (CMYO7B). Also called: CONGENITAL MYOPATHY 7B, MYOSIN STORAGE, AUTOSOMAL RECESSIVE. Identifiers: Orphanet 636970, MedGen C1850709, MONDO:0009708, OMIM 255160.
Dilated cardiomyopathy 1S (CMD1S). Identifiers: Orphanet 154, Orphanet 54260, MedGen C1834481, MONDO:0013262, OMIM 613426.
Myosin storage myopathy (CMYO7A). Also called: Scapuloperoneal myopathy, MYH7-related; MYOPATHY, HYALINE BODY, AUTOSOMAL DOMINANT; MYH7-related late-onset scapuloperoneal muscular dystrophy; Congenital myopathy 7A, myosin storage, autosomal dominant; MYOPATHY WITH LYSIS OF TYPE I MYOFIBRILS; SCAPULOPERONEAL MUSCULAR DYSTROPHY. Identifiers: Orphanet 437572, Orphanet 636965, MedGen C1842160, MONDO:0008409, OMIM 608358.
Cardiomyopathy (CMYO). Also called: Cardiomyopathies. Identifiers: Orphanet 167848, MedGen C0878544, MONDO:0004994, HP:0001638. Inheritance: Various modes of inheritance.
Cardiovascular phenotype. Identifiers: MedGen CN230736.

Allele frequency attached by ClinVar (database versions not stated): gnomAD exomes 0.00001; TOPMed 0.00001; gnomAD 0.00003 and 0.00004; ExAC 0.00002.
gnomAD v4.1: 17 of 1,613,544 alleles (0.0011%); highest among the groups gnomAD compares: South Asian, 0.0022%; no homozygotes.

Submissions (7):

Molecular Diagnostic Laboratory for Inherited Cardiovascular Disease, Montreal Heart Institute
Classification: Uncertain significance for Cardiovascular phenotype. Last evaluated: 2026-09-21. Review status: criteria provided, single submitter. Criteria: ACMG Guidelines, 2015. Collection method: clinical testing. Allele origin: germline. Affected: yes.
Comment: PS4_supp, PM2

Ambry Genetics
Classification: Uncertain significance for Cardiovascular phenotype. Last evaluated: 2025-11-25. Review status: criteria provided, single submitter. Criteria: Ambry Variant Classification Scheme 2023. Collection method: clinical testing. Allele origin: germline.
Comment: The p.S1366L variant (also known as c.4097C>T), located in coding exon 28 of the MYH7 gene, results from a C to T substitution at nucleotide position 4097. The serine at codon 1366 is replaced by leucine, an amino acid with dissimilar properties. This variant has been reported in individuals from dilated cardiomyopathy cohorts, but clinical details were limited (Ware JS et al. J Am Coll Cardiol, 2018 May;71:2293-2302; Mazzarotto F et al. Circulation, 2020 Feb;141:387-398). This amino acid position is highly conserved in available vertebrate species. In addition, the in silico prediction for this alteration is inconclusive. Based on the available evidence, the clinical significance of this variant remains unclear.

Labcorp Genetics (formerly Invitae), Labcorp
Classification: Uncertain significance for Hypertrophic cardiomyopathy. Last evaluated: 2025-11-22. Review status: criteria provided, single submitter. Criteria: Invitae Variant Classification Sherloc (09022015). Collection method: clinical testing. Allele origin: germline.
Comment: This sequence change replaces serine, which is neutral and polar, with leucine, which is neutral and non-polar, at codon 1366 of the MYH7 protein (p.Ser1366Leu). This variant is present in population databases (rs767000995, gnomAD 0.006%). This missense change has been observed in individual(s) with dilated cardiomyopathy (PMID: 31983221, 37652022). ClinVar contains an entry for this variant (Variation ID: 647534). Invitae Evidence Modeling of protein sequence and biophysical properties (such as structural, functional, and spatial information, amino acid conservation, physicochemical variation, residue mobility, and thermodynamic stability) has been performed for this missense variant. However, the output from this modeling did not meet the statistical confidence thresholds required to predict the impact of this variant on MYH7 protein function. In summary, the available evidence is currently insufficient to determine the role of this variant in disease. Therefore, it has been classified as a Variant of Uncertain Significance.

GeneDx
Classification: Uncertain significance. Last evaluated: 2025-06-03. Review status: criteria provided, single submitter. Criteria: GeneDx Variant Classification Process June 2021. Collection method: clinical testing. Allele origin: germline. Affected: yes.
Comment: Not observed at significant frequency in large population cohorts (gnomAD); In silico analysis supports that this missense variant has a deleterious effect on protein structure/function; This variant is associated with the following publications: (PMID: 34542152, 31983221, 29773157, 37652022)

All of Us Research Program, National Institutes of Health
Classification: Uncertain significance for Cardiomyopathy. Last evaluated: 2024-07-20. Review status: criteria provided, single submitter. Criteria: ACMG Guidelines, 2015. Collection method: clinical testing. Allele origin: germline. Inheritance: Autosomal dominant inheritance. Observed: 11 variant alleles, 11 heterozygotes.
Comment: This missense variant replaces serine with leucine at codon 1366 of the MYH7 protein. Computational prediction is inconclusive regarding the impact of this variant on protein structure and function (internally defined REVEL score threshold 0.5 < inconclusive < 0.7, PMID: 27666373). To our knowledge, functional studies have not been reported for this variant. This variant has been reported in an individual affected with dilated cardiomyopathy (PMID: 31983221). This variant has been identified in 3/251468 chromosomes in the general population by the Genome Aggregation Database (gnomAD). The available evidence is insufficient to determine the role of this variant in disease conclusively. Therefore, this variant is classified as a Variant of Uncertain Significance.

This study involves interpretation of variants in research participants for the purpose of population health screening. Participant phenotype was not available at the time of variant classification. Additional details can be found in publication PMID: 35346344, PMCID: PMC8962531

Color Diagnostics, LLC DBA Color Health
Classification: Uncertain significance for Cardiomyopathy. Last evaluated: 2024-04-11. Review status: criteria provided, single submitter. Criteria: ACMG Guidelines, 2015. Collection method: clinical testing. Allele origin: germline.
Comment: This missense variant replaces serine with leucine at codon 1366 of the MYH7 protein. Computational prediction is inconclusive regarding the impact of this variant on protein structure and function. To our knowledge, functional studies have not been reported for this variant. This variant has been reported in an individual affected with dilated cardiomyopathy (PMID: 31983221). This variant has been identified in 3/251468 chromosomes in the general population by the Genome Aggregation Database (gnomAD). The available evidence is insufficient to determine the role of this variant in disease conclusively. Therefore, this variant is classified as a Variant of Uncertain Significance.

Fulgent Genetics
Classification: Uncertain significance for MYH7-related skeletal myopathy; Myosin storage myopathy; Hypertrophic cardiomyopathy 1; Myopathy, myosin storage, autosomal recessive; Congenital myopathy 4A, autosomal dominant; Dilated cardiomyopathy 1S. Last evaluated: 2021-08-10. Review status: criteria provided, single submitter. Criteria: ACMG Guidelines, 2015. Collection method: clinical testing. Allele origin: unknown.

Literature cited by the submitters: PubMed 29773157 (cited by Ambry Genetics); PubMed 31983221 (cited by 4 submitters); PubMed 37652022 (cited by Labcorp Genetics (formerly Invitae), Labcorp).